The following is an entry in ClinVar:

ClinVar aggregate classification (germline): Benign/Likely benign. Review status: criteria provided, multiple submitters, no conflicts (2 of 4 stars). 5 submissions from 5 submitters: Benign (1); Likely benign (3). 1 of the submissions does not count toward it. Last evaluated 2025-07-15.

Conditions:
Hereditary cancer-predisposing syndrome. Also called: Hereditary neoplastic syndrome; Tumor predisposition; Hereditary Cancer Syndrome; Neoplastic Syndromes, Hereditary. Identifiers: Orphanet 140162, MedGen C0027672, MeSH D009386, MONDO:0015356.
Familial cancer of breast. Also called: Hereditary breast cancer; hereditary breast carcinoma; BREAST CANCER, FAMILIAL. Identifiers: Orphanet 227535, MedGen C0346153, MONDO:0016419, OMIM 114480. Disease mechanism: loss of function.

gnomAD v4.1: 1 of 1,614,070 alleles (0.000062%); highest among the groups gnomAD compares: East Asian, 0.0022%; no homozygotes.

Submissions (5):

Labcorp Genetics (formerly Invitae), Labcorp
Classification: Likely benign for Familial cancer of breast. Last evaluated: 2025-07-15. Review status: criteria provided, single submitter. Criteria: Invitae Variant Classification Sherloc (09022015). Collection method: clinical testing. Allele origin: germline.

Myriad Genetics, Inc.
Classification: Benign for Familial cancer of breast. Last evaluated: 2025-01-22. Review status: criteria provided, single submitter. Criteria: Myriad Autosomal Dominant, Autosomal Recessive and X-Linked Classification Criteria (2023). Collection method: clinical testing. Allele origin: unknown.
Comment: This variant is considered benign. This variant is a silent/synonymous amino acid change and it is not expected to impact splicing.

Ambry Genetics
Classification: Likely benign for Hereditary cancer-predisposing syndrome. Last evaluated: 2019-12-22. Review status: criteria provided, single submitter. Criteria: Ambry Variant Classification Scheme 2023. Collection method: clinical testing. Allele origin: germline.

Color Diagnostics, LLC DBA Color Health
Classification: Likely benign for Hereditary cancer-predisposing syndrome. Last evaluated: 2017-07-18. Review status: criteria provided, single submitter. Criteria: ACMG Guidelines, 2015. Collection method: clinical testing. Allele origin: germline.

Leiden Open Variation Database
Classification: Uncertain significance. Last evaluated: 2018-10-10. Review status: no assertion criteria provided. Collection method: curation. Allele origin: germline. Affected: yes. Not counted in ClinVar's aggregate classification.
Comment: Curators: Marc Tischkowitz, Arleen D. Auerbach. Submitter to LOVD: Yukihide Momozawa.

Literature cited by the submitters: PubMed 30287823 (cited by Leiden Open Variation Database).

NM_024675.4(PALB2):c.3297G>C (p.Thr1099=)

Gene: PALB2 (partner and localizer of BRCA2; minus strand). Cytogenetic location: 16p12.2.
Variant type: single nucleotide variant.
Coding change: c.3297G>C on transcript NM_024675.4 (MANE Select); coding-DNA position 3297, G replaced by C.
Protein change: p.Thr1099=; no amino-acid change (threonine 1099 retained).
Molecular consequence: synonymous variant.
Genome position (GRCh38, 1-based): chr16:23,607,917, C>G on the plus strand (G>C on the coding strand, the complement: PALB2 is on the minus strand). VCF-style: chr16-23607917-C-G. GRCh37 (hg19) VCF-style: chr16-23619238-C-G.
Identifiers: ClinVar variation 492217 (VCV000492217.17), dbSNP rs45565738, ClinGen allele CA279527478.
Genomic context (GRCh38, chr16:23,607,917, plus strand): 5'-CACTTGCCTGCCAGCCTGCCCTGGAGGAAGACAGTACAGCATCACACCCACGCTGAGAGT[C>G]GTCTTAGGGTTAATCACAATGAGCTGAAACACAGGGCTTCGCAACGACTCACTCTCTTTG-3'
Protein context (NP_078951.2, residues 1089-1109): VFQLIVINPK[Thr1099=]TLSVGVMLYC